The following is an entry in ClinVar:

ClinVar aggregate classification (germline): Uncertain significance (1 of 4 stars; one submission).

Conditions:
Long QT syndrome 8. Identifiers: MedGen CN260585, MONDO:0032756, OMIM 618447.

gnomAD v4.1: 1 of 1,613,720 alleles (0.000062%); highest among the groups gnomAD compares: Non-Finnish European, 0.000085%; no homozygotes.

Submission:

Institute of Human Genetics, University of Leipzig Medical Center
Classification: Uncertain significance for Long QT syndrome 8. Last evaluated: 2026-07-10. Review status: criteria provided, single submitter. Criteria: ACMG Guidelines, 2015. Collection method: clinical testing. Allele origin: unknown. Inheritance: Autosomal dominant inheritance. Affected: yes.
Comment: Criteria applied: PM5,PM2_SUP,PP2,PP3

NM_000719.7(CACNA1C):c.2579G>T (p.Arg860Leu)

Gene: CACNA1C (calcium voltage-gated channel subunit alpha1 C; plus strand). Cytogenetic location: 12p13.33.
Variant type: single nucleotide variant.
Coding change: c.2579G>T on transcript NM_000719.7 (MANE Select); coding-DNA position 2579, G replaced by T.
Protein change: p.Arg860Leu; replaces arginine 860 with leucine.
Molecular consequence: missense variant.
Genome position (GRCh38, 1-based): chr12:2,593,261, G>T. VCF-style: chr12-2593261-G-T. GRCh37 (hg19) VCF-style: chr12-2702427-G-T.
Other names: c.2579G>T, p.Arg860Leu (NM_001129827.2, NM_001129829.2, NM_001129830.3 and 18 more transcripts); c.2570G>T, p.Arg857Leu (NM_001129844.2); short protein forms R857L, R860L.
Identifiers: ClinVar variation 4890718 (VCV004890718.1).
Genomic context (GRCh38, chr12:2,593,261, plus strand): 5'-TTCTTCTTACAGGAGAAGAGGATGAGGAGGAGCCAGAGATGCCTGTCGGCCCTCGCCCAC[G>T]ACCACTCTCTGAGCTTCACCTTAAGGAAAAGGCAGTGCCCATGCCAGAAGCCAGCGCGTT-3'
Protein context (NP_000710.5, residues 850-870): EPEMPVGPRP[Arg860Leu]PLSELHLKEK